The following is an entry in ClinVar:

ClinVar aggregate classification (germline): Benign. Review status: criteria provided, multiple submitters, no conflicts (2 of 4 stars). 2 submissions from 2 submitters: Benign (2). Last evaluated 2016-03-29.

Allele frequency attached by ClinVar (database versions not stated): gnomAD exomes 0.01650; gnomAD 0.02138; ESP Exome Variant Server 0.02141; ExAC 0.02206; 1000 Genomes Project 0.03656.

Submissions (2):

Laboratory for Molecular Medicine, Mass General Brigham Personalized Medicine
Classification: Benign. Last evaluated: 2016-03-29. Review status: criteria provided, single submitter. Criteria: LMM Criteria. Collection method: clinical testing. Allele origin: germline.
Comment: Variant identified in a genome or exome case(s) and assessed due to predicted null impact of the variant or pathogenic assertions in the literature or databases. Disclaimer: This variant has not undergone full assessment. The following are preliminary notes: 1.3% in european, 169 hemizygptes

Breakthrough Genomics
Classification: Benign. Review status: criteria provided, single submitter. Criteria: ACMG Guidelines, 2015. Collection method: not provided. Allele origin: germline. Inheritance: X-linked inheritance. Affected: yes.

NM_020061.6(OPN1LW):c.532A>G (p.Ile178Val)

Gene: OPN1LW (opsin 1, long wave sensitive; plus strand). Cytogenetic location: Xq28.
Variant type: single nucleotide variant.
Coding change: c.532A>G on transcript NM_020061.6 (MANE Select); coding-DNA position 532, A replaced by G.
Protein change: p.Ile178Val; replaces isoleucine 178 with valine.
Molecular consequence: missense variant.
Genome position (GRCh38, 1-based): chrX:154,153,062, A>G. VCF-style: chrX-154153062-A-G. GRCh37 (hg19) VCF-style: chrX-153418535-A-G.
Other names: short protein forms I178V.
Identifiers: ClinVar variation 403267 (VCV000403267.5), dbSNP rs145009674, ClinGen allele CA10558824.